The following is an entry in ClinVar:

NM_001035.3(RYR2):c.13822C>T (p.Arg4608Trp)

Gene: RYR2 (ryanodine receptor 2; plus strand). Cytogenetic location: 1q43.
Variant type: single nucleotide variant.
Coding change: c.13822C>T on transcript NM_001035.3 (MANE Select); coding-DNA position 13822, C replaced by T.
Protein change: p.Arg4608Trp; replaces arginine 4608 with tryptophan.
Molecular consequence: missense variant.
Genome position (GRCh38, 1-based): chr1:237,793,906, C>T. VCF-style: chr1-237793906-C-T. GRCh37 (hg19) VCF-style: chr1-237957206-C-T.
Other names: p.R4608W:CGG>TGG; c.13822C>T, p.Arg4608Trp (LRG_402t1); short protein forms R4608W.
Identifiers: ClinVar variation 201352 (VCV000201352.53), dbSNP rs794728799, ClinGen allele CA008063.

ClinVar aggregate classification (germline): Conflicting classifications of pathogenicity. Review status: criteria provided, conflicting classifications (1 of 4 stars). 5 submissions from 5 submitters: Likely pathogenic (4); Uncertain significance (1). Last evaluated 2026-08-26.

Conditions:
Cardiovascular phenotype. Identifiers: MedGen CN230736.
Catecholaminergic polymorphic ventricular tachycardia 1. Also called: RYR2-Related Catecholaminergic Polymorphic Ventricular Tachycardia; VENTRICULAR TACHYCARDIA, CATECHOLAMINERGIC POLYMORPHIC, 1, WITH OR WITHOUT ATRIAL DYSFUNCTION AND/OR DILATED CARDIOMYOPATHY; VENTRICULAR TACHYCARDIA, STRESS-INDUCED POLYMORPHIC 1. Identifiers: Orphanet 3286, MedGen C1631597, MONDO:0011484, OMIM 604772.

Allele frequency attached by ClinVar (database versions not stated): gnomAD exomes below 0.00001.
gnomAD v4.1: 2 of 1,610,716 alleles (0.00012%); highest among the groups gnomAD compares: Non-Finnish European, 0.00017%; no homozygotes.

Submissions (5):

GeneDx
Classification: Likely pathogenic. Last evaluated: 2026-08-26. Review status: criteria provided, single submitter. Criteria: GeneDx Variant Classification Process June 2021. Collection method: clinical testing. Allele origin: germline.
Comment: Identified in patients with CPVT or sudden cardiac arrest/death referred for genetic testing at GeneDx and in published literature (PMID: 24631775, 25194972, 29247119, 34730774); Not observed at significant frequency in large population cohorts (gnomAD); Published functional studies suggest a damaging effect via a decrease in calcium release and resulting loss of channel function (PMID: 35595836, 34730774); Located in one of the three hot-spot regions of the RYR2 gene, where the majority of pathogenic missense variants occur (PMID: 19926015); In silico analysis supports that this missense variant has a deleterious effect on protein structure/function; This variant is associated with the following publications: (PMID: 29247119, 24631775, 25194972, 35352813, 35595836, 34730774, 32152366, 39073097, 19926015)

Ambry Genetics
Classification: Likely pathogenic for Cardiovascular phenotype. Last evaluated: 2025-05-14. Review status: criteria provided, single submitter. Criteria: Ambry Variant Classification Scheme 2023. Collection method: clinical testing. Allele origin: germline.
Comment: The p.R4608W variant (also known as c.13822C>T), located in coding exon 95 of the RYR2 gene, results from a C to T substitution at nucleotide position 13822. The arginine at codon 4608 is replaced by tryptophan, an amino acid with dissimilar properties. This variant was reported in individual(s) with features consistent with catecholaminergic polymorphic ventricular tachycardia (CPVT) (Wang D et al. Forensic Sci Int, 2014 Apr;237:90-9; Lin Y et al. Circ Cardiovasc Genet, 2017 Dec;10:[Epub ahead of print]; Grondin S et al. Eur Heart J, 2022 Aug;43:3071-3081; Roston TM et al. JAMA Cardiol, 2022 Jan;7:84-92; Stava TT et al. Clin Genet, 2024 Nov;106:585-602). Functional studies suggest loss of function effect; however, the physiological relevance of these findings are unclear (Roston TM et al. JAMA Cardiol, 2022 Jan;7:84-92). This amino acid position is highly conserved in available vertebrate species. In addition, this alteration is predicted to be deleterious by in silico analysis. Based on the majority of available evidence to date, this variant is likely to be pathogenic.

Labcorp Genetics (formerly Invitae), Labcorp
Classification: Likely pathogenic for Catecholaminergic polymorphic ventricular tachycardia 1. Last evaluated: 2025-04-10. Review status: criteria provided, single submitter. Criteria: Invitae Variant Classification Sherloc (09022015). Collection method: clinical testing. Allele origin: germline.
Comment: This sequence change replaces arginine, which is basic and polar, with tryptophan, which is neutral and slightly polar, at codon 4608 of the RYR2 protein (p.Arg4608Trp). This variant is not present in population databases (gnomAD no frequency). This missense change has been observed in individual(s) with catecholaminergic polymorphic ventricular tachycardia and/or clinical features of RYR2-related conditions (PMID: 24631775, 29247119, 32152366, 34730774; internal data). ClinVar contains an entry for this variant (Variation ID: 201352). Invitae Evidence Modeling of protein sequence and biophysical properties (such as structural, functional, and spatial information, amino acid conservation, physicochemical variation, residue mobility, and thermodynamic stability) indicates that this missense variant is expected to disrupt RYR2 protein function with a positive predictive value of 95%. Experimental studies have shown that this missense change affects RYR2 function (PMID: 34730774, 35595836). This variant disrupts the p.Arg4608 amino acid residue in RYR2. Other variant(s) that disrupt this residue have been determined to be pathogenic (PMID: 25194972, 28449774). This suggests that this residue is clinically significant, and that variants that disrupt this residue are likely to be disease-causing. In summary, the currently available evidence indicates that the variant is pathogenic, but additional data are needed to prove that conclusively. Therefore, this variant has been classified as Likely Pathogenic.

CeGaT Center for Human Genetics Tuebingen
Classification: Likely pathogenic. Last evaluated: 2021-10-01. Review status: criteria provided, single submitter. Criteria: CeGaT Center For Human Genetics Tuebingen Variant Classification Criteria Version 2. Collection method: clinical testing. Allele origin: germline. Affected: yes. Observed: 1 variant allele.

Centre for Mendelian Genomics, University Medical Centre Ljubljana
Classification: Uncertain significance for Catecholaminergic polymorphic ventricular tachycardia 1. Last evaluated: 2016-01-01. Review status: criteria provided, single submitter. Criteria: ACMG Guidelines, 2015. Collection method: clinical testing. Allele origin: unknown. Affected: yes.
Comment: This variant was classified as: Uncertain significance. The following ACMG criteria were applied in classifying this variant: PM2,PP3,PP4,PP5.

Literature cited by the submitters: PubMed 24631775 (cited by Ambry Genetics and Labcorp Genetics (formerly Invitae), Labcorp); PubMed 29247119 (cited by Ambry Genetics and Labcorp Genetics (formerly Invitae), Labcorp); PubMed 34730774 (cited by Ambry Genetics and Labcorp Genetics (formerly Invitae), Labcorp); PubMed 35352813 (cited by Ambry Genetics); PubMed 35595836 (cited by Ambry Genetics and Labcorp Genetics (formerly Invitae), Labcorp); PubMed 39073097 (cited by Ambry Genetics); PubMed 32152366 (cited by Labcorp Genetics (formerly Invitae), Labcorp); PubMed 25194972 (cited by Labcorp Genetics (formerly Invitae), Labcorp); PubMed 28449774 (cited by Labcorp Genetics (formerly Invitae), Labcorp).